The following is an entry in ClinVar:

ClinVar aggregate classification (germline): Uncertain significance (1 of 4 stars; one submission).

Conditions:
Dyskeratosis congenita, X-linked (DKCX). Also called: Zinsser-Cole-Engman Syndrome. Identifiers: MedGen C1148551, MONDO:0010584, OMIM 305000.

Submission:

3billion
Classification: Uncertain significance for Dyskeratosis congenita, X-linked. Last evaluated: 2025-05-14. Review status: criteria provided, single submitter. Criteria: ACMG Guidelines, 2015. Collection method: clinical testing. Allele origin: germline. Affected: yes.
Comment: The variant is not observed in the gnomAD v4.1.0 dataset. Predicted Consequence/Location: Intron variant In silico tools predict the variant to alter splicing and produce an abnormal transcript [SpliceAI: 0.64 (>=0.2, moderate evidence for spliceogenicity)]. Therefore, this variant is classified as VUS according to the recommendation of ACMG/AMP guideline.

NM_001363.5(DKC1):c.514-15T>A

Gene: DKC1 (dyskerin pseudouridine synthase 1; plus strand). Cytogenetic location: Xq28.
Variant type: single nucleotide variant.
Coding change: c.514-15T>A on transcript NM_001363.5 (MANE Select); 15 bases into the intron before coding-DNA position 514, T replaced by A.
Molecular consequence: intron variant.
Genome position (GRCh38, 1-based): chrX:154,767,241, T>A. VCF-style: chrX-154767241-T-A. GRCh37 (hg19) VCF-style: chrX-153995516-T-A.
Other names: c.514-15T>A (NM_001288747.2, NM_001142463.3).
Identifiers: ClinVar variation 4855868 (VCV004855868.1).